The following is an entry in ClinVar:

NM_001042492.3(NF1):c.6236del (p.Ala2079fs)

Gene: NF1 (neurofibromin 1; plus strand). Cytogenetic location: 17q11.2.
Variant type: Deletion.
Coding change: c.6236del on transcript NM_001042492.3 (MANE Select); coding-DNA position 6236, one base deleted (C; older notation c.6236delC).
Protein change: p.Ala2079fs; shifts the reading frame from alanine 2079.
Molecular consequence: frameshift variant.
Genome position (GRCh38, 1-based): chr17:31,336,723, C deleted. VCF-style (leftmost placement, unchanged base first): chr17-31336722-GC-G. GRCh37 (hg19) VCF-style: chr17-29663740-GC-G.
Other names: c.6173delC, p.Ala2058Valfs (NM_000267.4); short protein forms A2058fs, A2079fs.
Identifiers: ClinVar variation 2982377 (VCV002982377.3), dbSNP rs1271388335, ClinGen allele CA625780765.
Genomic context (GRCh38, chr17:31,336,722, plus strand): 5'-GACAAGACATGCTTATCTCCAACTCCTACTTTAGAACAACATCTTATGTGGGATGATATT[GC>G]TATTTTAGCACGCTACATGCTGATGCTGTCCTTCAACAATTCCCTTGATGTGGCAGCTCA-3'

ClinVar aggregate classification (germline): Pathogenic (1 of 4 stars; one submission).

Conditions:
Neurofibromatosis, type 1 (NF1). Also called: Peripheral type neurofibromatosis; NEUROFIBROMATOSIS, TYPE I, SOMATIC; Neurofibromatosis, type I; VON RECKLINGHAUSEN DISEASE. Identifiers: Orphanet 636, MedGen C0027831, MONDO:0018975, OMIM 162200. Disease mechanism: loss of function.

Submission:

Labcorp Genetics (formerly Invitae), Labcorp
Classification: Pathogenic for Neurofibromatosis, type 1. Last evaluated: 2022-11-20. Review status: criteria provided, single submitter. Criteria: Invitae Variant Classification Sherloc (09022015). Collection method: clinical testing. Allele origin: germline.
Comment: Algorithms developed to predict the effect of sequence changes on RNA splicing suggest that this variant may disrupt the consensus splice site. For these reasons, this variant has been classified as Pathogenic. This variant has not been reported in the literature in individuals affected with NF1-related conditions. This variant is present in population databases (no rsID available, gnomAD 0.0009%). This sequence change creates a premature translational stop signal (p.Ala2058Valfs*3) in the NF1 gene. It is expected to result in an absent or disrupted protein product. Loss-of-function variants in NF1 are known to be pathogenic (PMID: 10712197, 23913538).

Literature cited by the submitters: PubMed 10712197; PubMed 23913538.